The following is an entry in ClinVar:

NM_002693.3(POLG):c.1393G>T (p.Asp465Tyr)

Gene: POLG (DNA polymerase gamma, catalytic subunit; minus strand). Cytogenetic location: 15q26.1.
Variant type: single nucleotide variant.
Coding change: c.1393G>T on transcript NM_002693.3 (MANE Select); coding-DNA position 1393, G replaced by T.
Protein change: p.Asp465Tyr; replaces aspartic acid 465 with tyrosine.
Molecular consequence: missense variant.
Genome position (GRCh38, 1-based): chr15:89,327,207, C>A on the plus strand (G>T on the coding strand, the complement: POLG is on the minus strand). VCF-style: chr15-89327207-C-A. GRCh37 (hg19) VCF-style: chr15-89870438-C-A.
Other names: c.1393G>T, p.Asp465Tyr (NM_001126131.2); short protein forms D465Y.
Identifiers: ClinVar variation 1483122 (VCV001483122.7), dbSNP rs2152067076, ClinGen allele CA393761733.
Genomic context (GRCh38, chr15:89,327,207, plus strand): 5'-CCCACCCAAGGCCTGGCTACCTCTCTCCTGAGAGCAGCTGGCAGGCATCATTGGCCAGAT[C>A]CATCAACGACTTCTTCATCTCCCGCTGGAGCTCCTCATAAGTGCCCTGTGCCTCTGCCAG-3'
Protein context (NP_002684.1, residues 455-475): LQREMKKSLM[Asp465Tyr]LANDACQLLS

ClinVar aggregate classification (germline): Uncertain significance (1 of 4 stars; one submission).

Conditions:
Progressive sclerosing poliodystrophy (MTDPS4A). Also called: Mitochondrial DNA depletion syndrome 4A (Alpers type); ALPERS PROGRESSIVE INFANTILE POLIODYSTROPHY; NEURONAL DEGENERATION OF CHILDHOOD WITH LIVER DISEASE, PROGRESSIVE; Mitochondrial DNA Depletion Syndrome 4A; Alpers-Huttenlocher Syndrome (AHS); Alpers Syndrome. Identifiers: Orphanet 726, MedGen C0205710, MONDO:0008758, OMIM 203700.

Submission:

Labcorp Genetics (formerly Invitae), Labcorp
Classification: Uncertain significance for Progressive sclerosing poliodystrophy. Last evaluated: 2024-02-24. Review status: criteria provided, single submitter. Criteria: Invitae Variant Classification Sherloc (09022015). Collection method: clinical testing. Allele origin: germline.
Comment: This sequence change replaces aspartic acid, which is acidic and polar, with tyrosine, which is neutral and polar, at codon 465 of the POLG protein (p.Asp465Tyr). This variant is not present in population databases (gnomAD no frequency). This variant has not been reported in the literature in individuals affected with POLG-related conditions. ClinVar contains an entry for this variant (Variation ID: 1483122). Advanced modeling of protein sequence and biophysical properties (such as structural, functional, and spatial information, amino acid conservation, physicochemical variation, residue mobility, and thermodynamic stability) has been performed at Invitae for this missense variant, however the output from this modeling did not meet the statistical confidence thresholds required to predict the impact of this variant on POLG protein function. In summary, the available evidence is currently insufficient to determine the role of this variant in disease. Therefore, it has been classified as a Variant of Uncertain Significance.